The following is an entry in ClinVar:

ClinVar aggregate classification (germline): Uncertain significance (1 of 4 stars; one submission).

Conditions:
Shprintzen-Goldberg syndrome (SGS). Also called: SHPRINTZEN-GOLDBERG CRANIOSYNOSTOSIS SYNDROME; CRANIOSYNOSTOSIS WITH ARACHNODACTYLY AND ABDOMINAL HERNIAS; Marfanoid disorder with craniosynostosis type 1; Marfanoid craniosynostosis syndrome; Shprintzen-Goldberg marfanoid syndrome. Identifiers: Orphanet 2462, MedGen C1321551, MONDO:0008426, OMIM 182212.

Submission:

Labcorp Genetics (formerly Invitae), Labcorp
Classification: Uncertain significance for Shprintzen-Goldberg syndrome. Last evaluated: 2019-10-22. Review status: criteria provided, single submitter. Criteria: Invitae Variant Classification Sherloc (09022015). Collection method: clinical testing. Allele origin: germline.
Comment: In summary, the available evidence is currently insufficient to determine the role of this variant in disease. Therefore, it has been classified as a Variant of Uncertain Significance. Nucleotide substitutions within the consensus splice site are a relatively common cause of aberrant splicing (PMID: 17576681, 9536098). Algorithms developed to predict the effect of sequence changes on RNA splicing suggest that this variant may disrupt the consensus splice site, but this prediction has not been confirmed by published transcriptional studies. This variant has not been reported in the literature in individuals with SKI-related conditions. The frequency data for this variant in the population databases is considered unreliable, as metrics indicate insufficient coverage at this position in the ExAC database. This sequence change affects codon 323 of the SKI mRNA. It is a 'silent' change, meaning that it does not change the encoded amino acid sequence of the SKI protein. This variant also falls at the last nucleotide of exon 1 of the SKI coding sequence, which is part of the consensus splice site for this exon.

Literature cited by the submitters: PubMed 17576681; PubMed 9536098.

NM_003036.4(SKI):c.969G>C (p.Arg323=)

Gene: SKI (SKI proto-oncogene; plus strand). Cytogenetic location: 1p36.33.
Variant type: single nucleotide variant.
Coding change: c.969G>C on transcript NM_003036.4 (MANE Select); coding-DNA position 969, G replaced by C.
Protein change: p.Arg323=; no amino-acid change (arginine 323 retained).
Molecular consequence: synonymous variant.
Genome position (GRCh38, 1-based): chr1:2,229,735, G>C. VCF-style: chr1-2229735-G-C. GRCh37 (hg19) VCF-style: chr1-2161174-G-C.
Identifiers: ClinVar variation 965993 (VCV000965993.9), dbSNP rs747642639, ClinGen allele CA415774909.
Genomic context (GRCh38, chr1:2,229,735, plus strand): 5'-CCTGGACGACGTGAAGGAGAAATTCGACTATGGCAACAAGTACAAGCGGCGGGTGCCCCG[G>C]GTGAGTGGCCCCAGGCCTGGGAGCTGGGGAGGATGCGCTTGGGGTGGGGGCCCCTTCTGG-3'
Protein context (NP_003027.1, residues 313-333): YGNKYKRRVP[Arg323=]VSSEPPASIR